The following is an entry in ClinVar:

NM_000051.4(ATM):c.7137A>G (p.Leu2379=)

Genes: ATM (ATM serine/threonine kinase; plus strand), C11orf65 (chromosome 11 open reading frame 65; minus strand). Cytogenetic location: 11q22.3.
Variant type: single nucleotide variant.
Coding change: c.7137A>G on transcript NM_000051.4 (MANE Select); coding-DNA position 7137, A replaced by G.
Protein change: p.Leu2379=; no amino-acid change (leucine 2379 retained).
Molecular consequence: synonymous variant. On other transcripts: intron variant (2).
Genome position (GRCh38, 1-based): chr11:108,329,068, A>G. VCF-style: chr11-108329068-A-G. GRCh37 (hg19) VCF-style: chr11-108199795-A-G.
Other names: c.7137A>G, p.Leu2379= (NM_001351834.2); c.641-19997T>C (NM_001330368.2); c.*38+6152T>C (NM_001351110.2).
Identifiers: ClinVar variation 2839090 (VCV002839090.4), dbSNP rs2136412928, ClinGen allele CA476676687.
Genomic context (GRCh38, chr11:108,329,068, plus strand): 5'-TGTTTTCTTGAAGGCAGTAGAAGTTGCTGGAAATTATGATGGAGAAAGTAGTGATGAGCT[A>G]AGAAATGGAAAAATGAAGGCATTTCTCTCATTAGCCCGGTTTTCAGATACTCAATACCAA-3'
Protein context (NP_000042.3, residues 2369-2389): GNYDGESSDE[Leu2379=]RNGKMKAFLS

ClinVar aggregate classification (germline): Benign/Likely benign. Review status: criteria provided, multiple submitters, no conflicts (2 of 4 stars). 2 submissions from 2 submitters: Benign (1); Likely benign (1). Last evaluated 2024-06-13.

Conditions:
Ataxia-telangiectasia syndrome (AT). Also called: LOUIS-BAR SYNDROME; Cerebello-oculocutaneous telangiectasia; Immunodeficiency with ataxia telangiectasia; Ataxia telangiectasia (A-T); Ataxia-telangiectasia, complementation group D; AT, COMPLEMENTATION GROUP C. Identifiers: Orphanet 100, MedGen C0004135, MONDO:0008840, OMIM 208900.
Familial cancer of breast. Also called: BREAST CANCER, FAMILIAL; Hereditary breast cancer; hereditary breast carcinoma. Identifiers: Orphanet 227535, MedGen C0346153, MONDO:0016419, OMIM 114480. Disease mechanism: loss of function.

Submissions (2):

Myriad Genetics, Inc.
Classification: Benign for Familial cancer of breast. Last evaluated: 2024-06-13. Review status: criteria provided, single submitter. Criteria: Myriad Autosomal Dominant, Autosomal Recessive and X-Linked Classification Criteria (2023). Collection method: clinical testing. Allele origin: unknown.
Comment: This variant is considered benign. This variant is a silent/synonymous amino acid change and it is not expected to impact splicing.

Labcorp Genetics (formerly Invitae), Labcorp
Classification: Likely benign for Ataxia-telangiectasia syndrome. Last evaluated: 2023-02-20. Review status: criteria provided, single submitter. Criteria: Invitae Variant Classification Sherloc (09022015). Collection method: clinical testing. Allele origin: germline.